The following is an entry in ClinVar:

NM_000388.4(CASR):c.902G>T (p.Ser301Ile)

Gene: CASR (calcium sensing receptor; plus strand). Cytogenetic location: 3q21.1.
Variant type: single nucleotide variant.
Coding change: c.902G>T on transcript NM_000388.4 (MANE Select); coding-DNA position 902, G replaced by T.
Protein change: p.Ser301Ile; replaces serine 301 with isoleucine.
Molecular consequence: missense variant.
Genome position (GRCh38, 1-based): chr3:122,261,937, G>T. VCF-style: chr3-122261937-G-T. GRCh37 (hg19) VCF-style: chr3-121980784-G-T.
Other names: c.902G>T, p.Ser301Ile (NM_001178065.2); short protein forms S301I.
Identifiers: ClinVar variation 3231596 (VCV003231596.3), dbSNP rs1264867619, ClinGen allele CA354151599.
Genomic context (GRCh38, chr3:122,261,937, plus strand): 5'-AGGAGATTGTCCGGCGCAATATCACGGGCAAGATCTGGCTGGCCAGCGAGGCCTGGGCCA[G>T]CTCCTCCCTGATCGCCATGCCTCAGTACTTCCACGTGGTTGGCGGCACCATTGGATTCGC-3'
Protein context (NP_000379.3, residues 291-311): KIWLASEAWA[Ser301Ile]SSLIAMPQYF

ClinVar aggregate classification (germline): Uncertain significance. Review status: criteria provided, multiple submitters, no conflicts (2 of 4 stars). 2 submissions from 2 submitters: Uncertain significance (2). Last evaluated 2024-10-16.

Conditions:
Familial hypocalciuric hypercalcemia (FHH). Also called: Familial benign hypercalcemia. Identifiers: Orphanet 405, MedGen C1809471, MONDO:0018458.
Autosomal dominant hypocalcemia 1 (HYPOC1). Also called: HYPOCALCEMIA, FAMILIAL. Identifiers: MedGen C3715128, MONDO:0011013, OMIM 601198.
Nephrolithiasis/nephrocalcinosis. Identifiers: MedGen CN580796.

Submissions (2):

Labcorp Genetics (formerly Invitae), Labcorp
Classification: Uncertain significance for Familial hypocalciuric hypercalcemia; Autosomal dominant hypocalcemia 1. Last evaluated: 2024-10-16. Review status: criteria provided, single submitter. Criteria: Invitae Variant Classification Sherloc (09022015). Collection method: clinical testing. Allele origin: germline.
Comment: This sequence change replaces serine, which is neutral and polar, with isoleucine, which is neutral and non-polar, at codon 301 of the CASR protein (p.Ser301Ile). This variant is not present in population databases (gnomAD no frequency). This variant has not been reported in the literature in individuals affected with CASR-related conditions. An algorithm developed to predict the effect of missense changes on protein structure and function (PolyPhen-2) suggests that this variant is likely to be tolerated. In summary, the available evidence is currently insufficient to determine the role of this variant in disease. Therefore, it has been classified as a Variant of Uncertain Significance.

Ambry Genetics
Classification: Uncertain significance for Nephrolithiasis/nephrocalcinosis. Last evaluated: 2023-10-22. Review status: criteria provided, single submitter. Criteria: Ambry Variant Classification Scheme 2023. Collection method: clinical testing. Allele origin: germline.
Comment: The p.S301I variant (also known as c.902G>T), located in coding exon 3 of the CASR gene, results from a G to T substitution at nucleotide position 902. The serine at codon 301 is replaced by isoleucine, an amino acid with dissimilar properties. This amino acid position is conserved. In addition, this alteration is predicted to be deleterious by in silico analysis. Since supporting evidence is limited at this time, the clinical significance of this alteration remains unclear.